The following is an entry in ClinVar:

NM_000135.4(FANCA):c.1245G>C (p.Met415Ile)

Gene: FANCA (FA complementation group A; minus strand). Cytogenetic location: 16q24.3.
Variant type: single nucleotide variant.
Coding change: c.1245G>C on transcript NM_000135.4 (MANE Select); coding-DNA position 1245, G replaced by C.
Protein change: p.Met415Ile; replaces methionine 415 with isoleucine.
Molecular consequence: missense variant.
Genome position (GRCh38, 1-based): chr16:89,791,517, C>G on the plus strand (G>C on the coding strand, the complement: FANCA is on the minus strand). VCF-style: chr16-89791517-C-G. GRCh37 (hg19) VCF-style: chr16-89857925-C-G.
Other names: c.1245G>C, p.Met415Ile (NM_001286167.3); short protein forms M415I.
Identifiers: ClinVar variation 3645260 (VCV003645260.2).

ClinVar aggregate classification (germline): Uncertain significance (1 of 4 stars; one submission).

Conditions:
Fanconi anemia (FA). Also called: Fanconi's anemia. Identifiers: Orphanet 84, MedGen C0015625, MeSH D005199, MONDO:0019391.

Submission:

Labcorp Genetics (formerly Invitae), Labcorp
Classification: Uncertain significance for Fanconi anemia. Last evaluated: 2024-03-10. Review status: criteria provided, single submitter. Criteria: Invitae Variant Classification Sherloc (09022015). Collection method: clinical testing. Allele origin: germline.
Comment: This sequence change replaces methionine, which is neutral and non-polar, with isoleucine, which is neutral and non-polar, at codon 415 of the FANCA protein (p.Met415Ile). This variant is not present in population databases (gnomAD no frequency). This variant has not been reported in the literature in individuals affected with FANCA-related conditions. Advanced modeling of protein sequence and biophysical properties (such as structural, functional, and spatial information, amino acid conservation, physicochemical variation, residue mobility, and thermodynamic stability) performed at Invitae indicates that this missense variant is not expected to disrupt FANCA protein function with a negative predictive value of 80%. In summary, the available evidence is currently insufficient to determine the role of this variant in disease. Therefore, it has been classified as a Variant of Uncertain Significance.